The following is an entry in ClinVar:

ClinVar aggregate classification (germline): Benign/Likely benign. Review status: criteria provided, multiple submitters, no conflicts (2 of 4 stars). 2 submissions from 2 submitters: Benign (1); Likely benign (1). Last evaluated 2024-09-01.

Allele frequency attached by ClinVar (database versions not stated): gnomAD exomes 0.00040 and 0.00086; ExAC 0.00110; gnomAD 0.00314 and 0.00342; 1000 Genomes Project 0.00319; TOPMed 0.00360; 1000 Genomes Project 30x 0.00375; ESP Exome Variant Server 0.00400.
gnomAD v4.1: 1,049 of 1,497,784 alleles (0.07%); highest among the groups gnomAD compares: African/African-American, 1.2%; 8 homozygotes.

Submissions (3):

CeGaT Center for Human Genetics Tuebingen
Classification: Likely benign. Last evaluated: 2024-09-01. Review status: criteria provided, single submitter. Criteria: CeGaT Center For Human Genetics Tuebingen Variant Classification Criteria Version 2. Collection method: clinical testing. Allele origin: germline. Affected: yes. Observed: 1 variant allele.
Comment: MDM4: BP4, BS1

Labcorp Genetics (formerly Invitae), Labcorp
Classification: Benign. Last evaluated: 2018-03-29. Review status: criteria provided, single submitter. Criteria: Invitae Variant Classification Sherloc (09022015). Collection method: clinical testing. Allele origin: germline.

Dr. Peter K. Rogan Lab, Western University
No classification provided (evidence only). Condition: Uterine corpus endometrial carcinoma. Review status: no classification provided. Collection method: in vitro. Allele origin: not applicable. Functional consequence: retained intron. Not counted in ClinVar's aggregate classification.

NM_002393.5(MDM4):c.511+5G>A

Gene: MDM4 (MDM4 regulator of p53; plus strand). Cytogenetic location: 1q32.1.
Variant type: single nucleotide variant.
Coding change: c.511+5G>A on transcript NM_002393.5 (MANE Select); 5 bases into the intron after coding-DNA position 511, G replaced by A.
Molecular consequence: intron variant.
Genome position (GRCh38, 1-based): chr1:204,538,313, G>A. VCF-style: chr1-204538313-G-A. GRCh37 (hg19) VCF-style: chr1-204507441-G-A.
Other names: NC_000001.10:g.204507441G>A; c.511+5G>A (NM_001204171.2); c.*20+5G>A (NM_001278516.2); c.343+6067G>A (NM_001278518.2); c.154-8484G>A (NM_001278519.2); c.217+5G>A (NM_001278517.2); c.79-10953G>A (NM_001204172.2).
Identifiers: ClinVar variation 777983 (VCV000777983.18), dbSNP rs77617818, ClinGen allele CA1348706.